The following is an entry in ClinVar:

NM_017649.5(CNNM2):c.2403T>C (p.Asp801=)

Gene: CNNM2 (cyclin and CBS domain divalent metal cation transport mediator 2; plus strand). Cytogenetic location: 10q24.32.
Variant type: single nucleotide variant.
Coding change: c.2403T>C on transcript NM_017649.5 (MANE Select); coding-DNA position 2403, T replaced by C.
Protein change: p.Asp801=; no amino-acid change (aspartic acid 801 retained).
Molecular consequence: synonymous variant.
Genome position (GRCh38, 1-based): chr10:103,076,255, T>C. VCF-style: chr10-103076255-T-C. GRCh37 (hg19) VCF-style: chr10-104836012-T-C.
Other names: c.2337T>C, p.Asp779= (NM_199076.3).
Identifiers: ClinVar variation 3033582 (VCV003033582.3), dbSNP rs373895299, ClinGen allele CA5670611.

ClinVar aggregate classification (germline): Benign. Review status: criteria provided, single submitter (1 of 4 stars). 2 submissions from 2 submitters: Benign (1). 1 of the submissions does not count toward it. Last evaluated 2026-05-05.

Conditions:
CNNM2-related disorder. Also called: CNNM2-related condition.

Allele frequency attached by ClinVar (database versions not stated): gnomAD exomes 0.00002; ExAC 0.00004; TOPMed 0.00004; gnomAD 0.00005; ESP Exome Variant Server 0.00008.
gnomAD v4.1: 40 of 1,559,612 alleles (0.0026%); highest among the groups gnomAD compares: Non-Finnish European, 0.0035%; no homozygotes.

Submissions (2):

Revvity Omics, Revvity
Classification: Benign. Last evaluated: 2026-05-05. Review status: criteria provided, single submitter. Criteria: ACMG Guidelines, 2015. Collection method: clinical testing. Allele origin: germline.

PreventionGenetics, part of Exact Sciences
Classification: Likely benign for CNNM2-related condition. Last evaluated: 2019-03-29. Review status: no assertion criteria provided. Collection method: clinical testing. Allele origin: germline. Not counted in ClinVar's aggregate classification.
Comment: This variant is classified as likely benign based on ACMG/AMP sequence variant interpretation guidelines (Richards et al. 2015 PMID: 25741868, with internal and published modifications).